The following is an entry in ClinVar:

ClinVar aggregate classification (germline): Likely benign (0 of 4 stars; one submission).

Conditions:
PPP1R21-related disorder. Also called: PPP1R21-related condition.

Allele frequency attached by ClinVar (database versions not stated): gnomAD exomes 0.00001; ExAC 0.00002; gnomAD 0.00006; TOPMed 0.00006; ESP Exome Variant Server 0.00015; 1000 Genomes Project 30x 0.00016; 1000 Genomes Project 0.00020.
gnomAD v4.1: 26 of 1,614,238 alleles (0.0016%); highest among the groups gnomAD compares: African/African-American, 0.031%; no homozygotes.

Submission:

PreventionGenetics, part of Exact Sciences
Classification: Likely benign for PPP1R21-related condition. Last evaluated: 2022-09-19. Review status: no assertion criteria provided. Collection method: clinical testing. Allele origin: germline.
Comment: This variant is classified as likely benign based on ACMG/AMP sequence variant interpretation guidelines (Richards et al. 2015 PMID: 25741868, with internal and published modifications).

NM_001135629.3(PPP1R21):c.1803A>C (p.Ala601=)

Gene: PPP1R21 (protein phosphatase 1 regulatory subunit 21; plus strand). Cytogenetic location: 2p16.3.
Variant type: single nucleotide variant.
Coding change: c.1803A>C on transcript NM_001135629.3 (MANE Select); coding-DNA position 1803, A replaced by C.
Protein change: p.Ala601=; no amino-acid change (alanine 601 retained).
Molecular consequence: synonymous variant. On other transcripts: non-coding transcript variant (1).
Genome position (GRCh38, 1-based): chr2:48,498,603, A>C. VCF-style: chr2-48498603-A-C. GRCh37 (hg19) VCF-style: chr2-48725742-A-C.
Other names: c.1710A>C, p.Ala570= (NM_001193475.2); c.1803A>C, p.Ala601= (NM_152994.5).
Identifiers: ClinVar variation 3032166 (VCV003032166.2), dbSNP rs142364482, ClinGen allele CA1651459.